The following is an entry in ClinVar:

ClinVar aggregate classification (germline): Uncertain significance (1 of 4 stars; one submission).

Conditions:
Ullrich congenital muscular dystrophy 2 (UCMD2). Identifiers: Orphanet 75840, MedGen C4225314, MONDO:0014654, OMIM 616470.
Bethlem myopathy 2 (BTHLM2). Identifiers: Orphanet 536516, Orphanet 610, MedGen C4225313, MONDO:0034022, OMIM 616471.

Allele frequency attached by ClinVar (database versions not stated): gnomAD exomes below 0.00001; gnomAD 0.00001.
gnomAD v4.1: 2 of 1,608,142 alleles (0.00012%); highest among the groups gnomAD compares: Non-Finnish European, 0.00017%; no homozygotes.

Submission:

Labcorp Genetics (formerly Invitae), Labcorp
Classification: Uncertain significance for Bethlem myopathy 2; Ullrich congenital muscular dystrophy 2. Last evaluated: 2023-01-08. Review status: criteria provided, single submitter. Criteria: Invitae Variant Classification Sherloc (09022015). Collection method: clinical testing. Allele origin: germline.
Comment: Algorithms developed to predict the effect of sequence changes on RNA splicing suggest that this variant may create or strengthen a splice site. This variant has not been reported in the literature in individuals affected with COL12A1-related conditions. This variant is not present in population databases (gnomAD no frequency). This sequence change falls in intron 31 of the COL12A1 gene. It does not directly change the encoded amino acid sequence of the COL12A1 protein. In summary, the available evidence is currently insufficient to determine the role of this variant in disease. Therefore, it has been classified as a Variant of Uncertain Significance.

NM_004370.6(COL12A1):c.5395-10T>C

Gene: COL12A1 (collagen type XII alpha 1 chain; minus strand). Cytogenetic location: 6q13.
Variant type: single nucleotide variant.
Coding change: c.5395-10T>C on transcript NM_004370.6 (MANE Select); 10 bases into the intron before coding-DNA position 5395, T replaced by C.
Molecular consequence: intron variant.
Genome position (GRCh38, 1-based): chr6:75,134,865, A>G on the plus strand (T>C on the coding strand, the complement: COL12A1 is on the minus strand). VCF-style: chr6-75134865-A-G. GRCh37 (hg19) VCF-style: chr6-75844581-A-G.
Other names: c.1903-10T>C (NM_001424116.1, NM_080645.3); c.5122-10T>C (NM_001424115.1); c.5374-10T>C (NM_001424114.1); c.5395-10T>C (NM_001424113.1).
Identifiers: ClinVar variation 2943022 (VCV002943022.3), dbSNP rs536355264, ClinGen allele CA140991234.